The following is an entry in ClinVar:

NM_000038.6(APC):c.423-2A>T

Gene: APC (APC regulator of Wnt signaling pathway; plus strand). Cytogenetic location: 5q22.2.
Variant type: single nucleotide variant.
Coding change: c.423-2A>T on transcript NM_000038.6 (MANE Select); the canonical splice acceptor site of the intron before coding-DNA position 423, A replaced by T.
Molecular consequence: splice acceptor variant.
Genome position (GRCh38, 1-based): chr5:112,775,627, A>T. VCF-style: chr5-112775627-A-T. GRCh37 (hg19) VCF-style: chr5-112111324-A-T.
Other names: c.-613-2A>T (NM_001407470.1, NM_001407472.1, NM_001354906.2 and 1 more transcripts); c.423-2A>T (NM_001407447.1, NM_001354895.2, NM_001407456.1 and 16 more transcripts); c.453-2A>T (NM_001407446.1, NM_001354897.2, NM_001354902.2 and 1 more transcripts); c.246-2A>T (NM_001407453.1, NM_001354900.2, NM_001354901.2 and 1 more transcripts); c.348-2A>T (NM_001407451.1, NM_001354898.2, NM_001354904.2).
Identifiers: ClinVar variation 246083 (VCV000246083.13), dbSNP rs879254087, ClinGen allele CA10584236.

ClinVar aggregate classification (germline): Pathogenic. Review status: criteria provided, multiple submitters, no conflicts (2 of 4 stars). 4 submissions from 4 submitters: Pathogenic (4). Last evaluated 2025-09-19.

Conditions:
Hereditary cancer-predisposing syndrome. Also called: Hereditary neoplastic syndrome; Neoplastic Syndromes, Hereditary; Tumor predisposition; Hereditary Cancer Syndrome. Identifiers: Orphanet 140162, MedGen C0027672, MeSH D009386, MONDO:0015356.
Familial adenomatous polyposis 1 (FAP1). Also called: FAMILIAL ADENOMATOUS POLYPOSIS 1, ATTENUATED; POLYPOSIS, ADENOMATOUS INTESTINAL. Identifiers: MedGen C2713442, MONDO:0021056, OMIM 175100. Disease mechanism: loss of function.

Submissions (4):

Ambry Genetics
Classification: Pathogenic for Hereditary cancer-predisposing syndrome. Last evaluated: 2025-09-19. Review status: criteria provided, single submitter. Criteria: Ambry Variant Classification Scheme 2023. Collection method: clinical testing. Allele origin: germline.
Comment: The c.423-2A>T intronic pathogenic mutation results from an A to T substitution two nucleotides upstream from coding exon 4 in the APC gene. This variant was reported in individual(s) with features consistent with APC-related familial adenomatous polyposis (Aretz et al. Hum Mutat 2004 Nov;24(5):370-80; Friedl et al. Hered Cancer Clin Pract 2005 Sep;3(3):95-114; Ambry internal data). RNA studies have demonstrated that this alteration results in abnormal splicing in the set of samples tested (Ambry internal data). This nucleotide position is highly conserved in available vertebrate species. In silico splice site analysis predicts that this alteration will weaken the native splice acceptor site. This variant is considered to be rare based on population cohorts in the Genome Aggregation Database (gnomAD). Alterations that disrupt the canonical splice site are expected to cause aberrant splicing, resulting in an abnormal protein or a transcript that is subject to nonsense-mediated mRNA decay. As such, this alteration is classified as a disease-causing mutation.

Myriad Genetics, Inc.
Classification: Pathogenic for Familial adenomatous polyposis 1. Last evaluated: 2023-05-03. Review status: criteria provided, single submitter. Criteria: Myriad Autosomal Dominant, Autosomal Recessive and X-Linked Classification Criteria (2023). Collection method: clinical testing. Allele origin: unknown.
Comment: This variant is considered pathogenic. This variant occurs within a consensus splice junction and is predicted to result in abnormal mRNA splicing of either an out-of-frame exon or an in-frame exon necessary for protein stability and/or normal function. mRNA analysis has demonstrated abnormal mRNA splicing occurs [PMID: 15459959].

Labcorp Genetics (formerly Invitae), Labcorp
Classification: Pathogenic for Familial adenomatous polyposis 1. Last evaluated: 2021-05-25. Review status: criteria provided, single submitter. Criteria: Invitae Variant Classification Sherloc (09022015). Collection method: clinical testing. Allele origin: germline.
Comment: For these reasons, this variant has been classified as Pathogenic. Studies have shown that disruption of this splice site is associated with skipping of exon 5 (also known as exon 4), which introduces a premature termination codon (PMID: 15459959). The resulting mRNA is expected to undergo nonsense-mediated decay. Disruption of this splice site has been observed in individual(s) with clinical features of familial adenomatous polyposis (PMID: 15459959, 15771908, 20924072). ClinVar contains an entry for this variant (Variation ID: 246083). This variant is not present in population databases (ExAC no frequency). This sequence change affects an acceptor splice site in intron 4 of the APC gene. RNA analysis indicates that this variant induces altered splicing and may result in an absent or disrupted protein product.

GeneDx
Classification: Pathogenic. Last evaluated: 2016-02-23. Review status: criteria provided, single submitter. Criteria: GeneDx Variant Classification (06012015). Collection method: clinical testing. Allele origin: germline. Affected: yes.
Comment: This variant is denoted APC c.423-2A>T or IVS4-2A>T and consists of a A>T nucleotide substitution at the -2 position of intron 4 of the APC gene. This variant destroys a canonical splice acceptor site and is predicted to cause abnormal gene splicing, leading to either an abnormal message that is subject to nonsense-mediated mRNA decay or to an abnormal protein product. This variant has been reported in several families with Familial Adenomatous Polyposis (Aretz 2004, Friedl 2005, Rivera 2011). We consider this variant to be pathogenic.

Literature cited by the submitters: PubMed 15459959 (cited by Myriad Genetics, Inc. and Labcorp Genetics (formerly Invitae), Labcorp); PubMed 15771908 (cited by Labcorp Genetics (formerly Invitae), Labcorp); PubMed 20924072 (cited by Labcorp Genetics (formerly Invitae), Labcorp).